The following is an entry in ClinVar:

NM_001369623.2(PI4KB):c.786C>T (p.Asp262=)

Gene: PI4KB (phosphatidylinositol 4-kinase beta; minus strand). Cytogenetic location: 1q21.3.
Variant type: single nucleotide variant.
Coding change: c.786C>T on transcript NM_001369623.2 (MANE Select); coding-DNA position 786, C replaced by T.
Protein change: p.Asp262=; no amino-acid change (aspartic acid 262 retained).
Molecular consequence: synonymous variant. On other transcripts: intron variant (1).
Genome position (GRCh38, 1-based): chr1:151,315,696, G>A on the plus strand (C>T on the coding strand, the complement: PI4KB is on the minus strand). VCF-style: chr1-151315696-G-A. GRCh37 (hg19) VCF-style: chr1-151288172-G-A.
Other names: c.786C>T, p.Asp262= (NM_001198773.3, NM_001198774.2, NM_001330721.2 and 3 more transcripts); c.822C>T, p.Asp274= (NM_001369625.1, NM_001369628.1, NM_002651.4); c.-42-7895C>T (NM_001198775.3).
Identifiers: ClinVar variation 4987405 (VCV004987405.1).
Genomic context (GRCh38, chr1:151,315,696, plus strand): 5'-GCTGGCAGTGGCATCTGACTTAGAGCGCTGGTGAGTCCTTTTGGAGGGAGACAGCCCTGT[G>A]TCAGGGGCCGGGCTCAAGGAGGGCAGCTCCCTCTTCCTGTGAGCTGGCTTTAGCTCATCT-3'
Protein context (NP_001356552.1, residues 252-272): RELPSLSPAP[Asp262=]TGLSPSKRTH

ClinVar aggregate classification (germline): Benign (1 of 4 stars; one submission).

Conditions:
PI4KB-related disorder. Also called: PI4KB-related condition.

gnomAD v4.1: 1,004,580 of 1,613,602 alleles (62%); highest among the groups gnomAD compares: Non-Finnish European, 65%; 317,456 homozygotes.

Submission:

PreventionGenetics, part of Exact Sciences
Classification: Benign for PI4KB-related condition. Last evaluated: 2025-04-28. Review status: criteria provided, single submitter. Criteria: ACMG Guidelines, 2015. Collection method: clinical testing. Allele origin: germline.
Comment: This variant is classified as benign based on ACMG/AMP sequence variant interpretation guidelines (Richards et al. 2015 PMID: 25741868, with internal and published modifications).